The following is an entry in ClinVar:

ClinVar aggregate classification (germline): Uncertain significance (1 of 4 stars; one submission).

Conditions:
Glycogen storage disease IXa1. Also called: LIVER GLYCOGENOSIS, X-LINKED, TYPE I; GLYCOGEN STORAGE DISEASE VIII; GSD VIII; Glycogen storage disease 8. Identifiers: Orphanet 264580, MedGen C3694531, MONDO:0010598, OMIM 306000.

gnomAD v4.1: 2 of 1,195,151 alleles (0.00017%); highest among the groups gnomAD compares: Non-Finnish European, 0.00023%; no homozygotes.

Submission:

Labcorp Genetics (formerly Invitae), Labcorp
Classification: Uncertain significance for Glycogen storage disease IXa1. Last evaluated: 2025-01-01. Review status: criteria provided, single submitter. Criteria: Invitae Variant Classification Sherloc (09022015). Collection method: clinical testing. Allele origin: germline.
Comment: This sequence change replaces threonine, which is neutral and polar, with arginine, which is basic and polar, at codon 572 of the PHKA2 protein (p.Thr572Arg). This variant is not present in population databases (gnomAD no frequency). This variant has not been reported in the literature in individuals affected with PHKA2-related conditions. An algorithm developed to predict the effect of missense changes on protein structure and function (PolyPhen-2) suggests that this variant is likely to be tolerated. In summary, the available evidence is currently insufficient to determine the role of this variant in disease. Therefore, it has been classified as a Variant of Uncertain Significance.

NM_000292.3(PHKA2):c.1715C>G (p.Thr572Arg)

Gene: PHKA2 (phosphorylase kinase regulatory subunit alpha 2; minus strand). Cytogenetic location: Xp22.13.
Variant type: single nucleotide variant.
Coding change: c.1715C>G on transcript NM_000292.3 (MANE Select); coding-DNA position 1715, C replaced by G.
Protein change: p.Thr572Arg; replaces threonine 572 with arginine.
Molecular consequence: missense variant.
Genome position (GRCh38, 1-based): chrX:18,924,134, G>C on the plus strand (C>G on the coding strand, the complement: PHKA2 is on the minus strand). VCF-style: chrX-18924134-G-C. GRCh37 (hg19) VCF-style: chrX-18942252-G-C.
Other names: short protein forms T572R.
Identifiers: ClinVar variation 3687870 (VCV003687870.2).